The following is an entry in ClinVar:

NM_001159699.2(FHL1):c.737-13_737-9del

Gene: FHL1 (four and a half LIM domains 1; plus strand). Cytogenetic location: Xq26.3.
Variant type: Deletion.
Coding change: c.737-13_737-9del on transcript NM_001159699.2 (MANE Select); 13 bases into the intron before coding-DNA position 737 through 9 bases into the intron before coding-DNA position 737, 5 bases deleted (TTTTT; older notation c.737-13_737-9delTTTTT).
Molecular consequence: intron variant.
Genome position (GRCh38, 1-based): chrX:136,209,858-136,209,862, TTTTT deleted; deleting any 5 consecutive bases within chrX:136,209,854-136,209,862 gives the same sequence; the c. name uses the placement nearest the transcript's 3' end. VCF-style (leftmost placement, unchanged base first): chrX-136209853-CTTTTT-C. GRCh37 (hg19) VCF-style: chrX-135292012-CTTTTT-C.
Other names: c.889-13_889-9del5 (NM_001159702.2); c.889-13_889-9del (NM_001159702.3, NM_001369326.1, NM_001369327.2 and 1 more transcripts); c.689-13_689-9del (NM_001449.5, NM_001369329.1, NM_001369330.1 and 4 more transcripts); c.502-13_502-9del (NM_001159703.2); c.776-13_776-9del (NM_001159701.2); c.550-13_550-9del (NM_001330659.2).
Identifiers: ClinVar variation 1664276 (VCV001664276.33), dbSNP rs374867802, ClinGen allele CA10525104.
Genomic context (GRCh38, chrX:136,209,853, plus strand): 5'-CTGAATCGTGGTTTCCTCACCTGTATTCATTCAGCTGTTTCTCTTGTTTTCTTTTCTTTT[CTTTTT>C]TTTTCCCCCCAGGGTTTGGTAAAGGCTCCAGTGTGGTGGCCTATGAAGGACAATCCTGGC-3'

ClinVar aggregate classification (germline): Likely benign. Review status: criteria provided, multiple submitters, no conflicts (2 of 4 stars). 3 submissions from 3 submitters: Likely benign (2). 1 of the submissions does not count toward it. Last evaluated 2026-06-01.

Conditions:
FHL1-related disorder. Also called: FHL1-related condition; FHL1-related disorders.
X-linked myopathy with postural muscle atrophy. Also called: FHL1-Related Emery-Dreifuss Muscular Dystrophy, X-Linked. Identifiers: Orphanet 178461, MedGen C2678055, MONDO:0010401, OMIM 300696.

Submissions (3):

CeGaT Center for Human Genetics Tuebingen
Classification: Likely benign. Last evaluated: 2026-06-01. Review status: criteria provided, single submitter. Criteria: CeGaT Center For Human Genetics Tuebingen Variant Classification Criteria Version 2. Collection method: clinical testing. Allele origin: germline. Affected: yes. Observed: 2 variant alleles.
Comment: FHL1: BS2

Labcorp Genetics (formerly Invitae), Labcorp
Classification: Likely benign for X-linked myopathy with postural muscle atrophy. Last evaluated: 2022-06-25. Review status: criteria provided, single submitter. Criteria: Invitae Variant Classification Sherloc (09022015). Collection method: clinical testing. Allele origin: germline.

PreventionGenetics, part of Exact Sciences
Classification: Likely benign for FHL1-related condition. Last evaluated: 2023-06-30. Review status: no assertion criteria provided. Collection method: clinical testing. Allele origin: germline. Not counted in ClinVar's aggregate classification.
Comment: This variant is classified as likely benign based on ACMG/AMP sequence variant interpretation guidelines (Richards et al. 2015 PMID: 25741868, with internal and published modifications).